The following is an entry in ClinVar:

NM_020822.3(KCNT1):c.2220C>G (p.Asp740Glu)

Gene: KCNT1 (potassium sodium-activated channel subfamily T member 1; plus strand). Cytogenetic location: 9q34.3.
Variant type: single nucleotide variant.
Coding change: c.2220C>G on transcript NM_020822.3 (MANE Select); coding-DNA position 2220, C replaced by G.
Protein change: p.Asp740Glu; replaces aspartic acid 740 with glutamic acid.
Molecular consequence: missense variant.
Genome position (GRCh38, 1-based): chr9:135,772,926, C>G. VCF-style: chr9-135772926-C-G. GRCh37 (hg19) VCF-style: chr9-138664772-C-G.
Other names: c.2085C>G, p.Asp695Glu (NM_001272003.2); short protein forms D740E, D695E.
Identifiers: ClinVar variation 473370 (VCV000473370.47), dbSNP rs148162797, ClinGen allele CA5327211.

ClinVar aggregate classification (germline): Likely benign. Review status: criteria provided, multiple submitters, no conflicts (2 of 4 stars). 11 submissions from 10 submitters: Likely benign (8). 3 of the submissions do not count toward it. Last evaluated 2026-01-17.

Conditions:
KCNT1-related disorder. Also called: KCNT1-related condition.
Developmental and epileptic encephalopathy, 14 (DEE14). Also called: Early infantile epileptic encephalopathy 14. Identifiers: Orphanet 293181, MedGen C3554195, MONDO:0013989, OMIM 614959.
Autosomal dominant nocturnal frontal lobe epilepsy 5. Also called: KCNT1-Related Epilepsy; CILIARY DYSKINESIA, PRIMARY, 28, WITHOUT SITUS INVERSUS; CILIARY DYSKINESIA, PRIMARY, 28, WITH SITUS INVERSUS; Epilepsy, nocturnal frontal lobe, 5. Identifiers: Orphanet 98784, MedGen C3554306, MONDO:0014002, OMIM 615005.
Inborn genetic diseases. Identifiers: MedGen C0950123, MeSH D030342.

Allele frequency attached by ClinVar (database versions not stated): TOPMed 0.00010; ESP Exome Variant Server 0.00015; gnomAD 0.00016; 1000 Genomes Project 0.00060; 1000 Genomes Project 30x 0.00062.
gnomAD v4.1: 502 of 1,518,882 alleles (0.033%); highest among the groups gnomAD compares: South Asian, 0.42%; 10 homozygotes.

Submissions (11):

Labcorp Genetics (formerly Invitae), Labcorp
Classification: Likely benign for Autosomal dominant nocturnal frontal lobe epilepsy 5; Developmental and epileptic encephalopathy, 14. Last evaluated: 2026-01-17. Review status: criteria provided, single submitter. Criteria: Invitae Variant Classification Sherloc (09022015). Collection method: clinical testing. Allele origin: germline.

Blueprint Genetics
Classification: Likely benign. Last evaluated: 2024-11-19. Review status: criteria provided, single submitter. Criteria: ACMG Guidelines, 2015. Collection method: clinical testing. Allele origin: germline.

CeGaT Center for Human Genetics Tuebingen
Classification: Likely benign. Last evaluated: 2023-09-01. Review status: criteria provided, single submitter. Criteria: CeGaT Center For Human Genetics Tuebingen Variant Classification Criteria Version 2. Collection method: clinical testing. Allele origin: germline. Affected: yes. Observed: 2 variant alleles.
Comment: KCNT1: BS1

Genome-Nilou Lab
Classification: Likely benign for Developmental and epileptic encephalopathy, 14. Last evaluated: 2022-03-15. Review status: criteria provided, single submitter. Criteria: ACMG Guidelines, 2015. Collection method: clinical testing. Allele origin: germline. Affected: no.

Genome-Nilou Lab
Classification: Likely benign for Autosomal dominant nocturnal frontal lobe epilepsy 5. Last evaluated: 2022-03-15. Review status: criteria provided, single submitter. Criteria: ACMG Guidelines, 2015. Collection method: clinical testing. Allele origin: germline. Affected: no.

GeneDx
Classification: Likely benign. Last evaluated: 2019-10-13. Review status: criteria provided, single submitter. Criteria: GeneDx Variant Classification Process June 2021. Collection method: clinical testing. Allele origin: germline. Affected: yes.
Comment: This variant is associated with the following publications: (PMID: 31780880)

Ambry Genetics
Classification: Likely benign for Inborn genetic diseases. Last evaluated: 2018-05-21. Review status: criteria provided, single submitter. Criteria: Ambry Variant Classification Scheme 2023. Collection method: clinical testing. Allele origin: germline.

Breakthrough Genomics
Classification: Likely benign. Review status: criteria provided, single submitter. Criteria: ACMG Guidelines, 2015. Collection method: not provided. Allele origin: germline. Inheritance: Autosomal dominant inheritance. Affected: yes.

PreventionGenetics, part of Exact Sciences
Classification: Likely benign for KCNT1-related condition. Last evaluated: 2020-03-09. Review status: no assertion criteria provided. Collection method: clinical testing. Allele origin: germline. Not counted in ClinVar's aggregate classification.
Comment: This variant is classified as likely benign based on ACMG/AMP sequence variant interpretation guidelines (Richards et al. 2015 PMID: 25741868, with internal and published modifications).

Clinical Genetics DNA and cytogenetics Diagnostics Lab, Erasmus MC, Erasmus Medical Center
Classification: Likely benign. Review status: no assertion criteria provided. Collection method: clinical testing. Allele origin: germline. Affected: yes. Study: VKGL Data-share Consensus. Not counted in ClinVar's aggregate classification.

Genome Diagnostics Laboratory, University Medical Center Utrecht
Classification: Likely benign. Review status: no assertion criteria provided. Collection method: clinical testing. Allele origin: germline. Affected: yes. Study: VKGL Data-share Consensus. Not counted in ClinVar's aggregate classification.